The following is an entry in ClinVar:

ClinVar aggregate classification (germline): Likely benign. Review status: criteria provided, multiple submitters, no conflicts (2 of 4 stars). 2 submissions from 2 submitters: Likely benign (2). Last evaluated 2022-10-15.

Conditions:
Walker-Warburg congenital muscular dystrophy. Also called: Muscular dystrophy-dystroglycanopathy, type A; Walker-Warburg syndrome. Identifiers: Orphanet 899, MedGen C0265221, MONDO:0000171.

Allele frequency attached by ClinVar (database versions not stated): gnomAD exomes below 0.00001 and 0.00001.
gnomAD v4.1: 5 of 1,614,162 alleles (0.00031%); highest among the groups gnomAD compares: South Asian, 0.0055%; no homozygotes.

Submissions (2):

Labcorp Genetics (formerly Invitae), Labcorp
Classification: Likely benign for Walker-Warburg congenital muscular dystrophy. Last evaluated: 2022-10-15. Review status: criteria provided, single submitter. Criteria: Invitae Variant Classification Sherloc (09022015). Collection method: clinical testing. Allele origin: germline.

GeneDx
Classification: Likely benign. Last evaluated: 2018-04-25. Review status: criteria provided, single submitter. Criteria: GeneDx Variant Classification (06012015). Collection method: clinical testing. Allele origin: germline. Affected: yes.
Comment: This variant is considered likely benign or benign based on one or more of the following criteria: it is a conservative change, it occurs at a poorly conserved position in the protein, it is predicted to be benign by multiple in silico algorithms, and/or has population frequency not consistent with disease.

NM_001079802.2(FKTN):c.1260A>G (p.Glu420=)

Gene: FKTN (fukutin; plus strand). Cytogenetic location: 9q31.2.
Variant type: single nucleotide variant.
Coding change: c.1260A>G on transcript NM_001079802.2 (MANE Select); coding-DNA position 1260, A replaced by G.
Protein change: p.Glu420=; no amino-acid change (glutamic acid 420 retained).
Molecular consequence: synonymous variant. On other transcripts: 3 prime UTR variant (1), non-coding transcript variant (2).
Genome position (GRCh38, 1-based): chr9:105,635,138, A>G. VCF-style: chr9-105635138-A-G. GRCh37 (hg19) VCF-style: chr9-108397419-A-G.
Other names: c.1260A>G, p.Glu420= (NM_001198963.2, NM_001351496.2, NM_006731.2); c.1191A>G, p.Glu397= (NM_001351497.2); c.*52A>G (NM_001351498.2); c.864A>G, p.Glu288= (NM_001351499.2, NM_001351500.2, NM_001351501.2 and 1 more transcripts).
Identifiers: ClinVar variation 682414 (VCV000682414.5), dbSNP rs1290782710, ClinGen allele CA466518535.